The following is an entry in ClinVar:

ClinVar aggregate classification (germline): Conflicting classifications of pathogenicity. Review status: criteria provided, conflicting classifications (1 of 4 stars). 6 submissions from 6 submitters: Uncertain significance (2); Likely benign (3). 1 of the submissions does not count toward it. Last evaluated 2026-04-01.

Conditions:
Knobloch syndrome (KNO). Also called: RETINAL DETACHMENT AND OCCIPITAL ENCEPHALOCELE; Myopia retinal detachment encephalocele. Identifiers: Orphanet 1571, MedGen C1849409, MONDO:0800166.
COL18A1-related disorder. Also called: COL18A1-related disorders; COL18A1-related condition.

Submissions (6):

CeGaT Center for Human Genetics Tuebingen
Classification: Likely benign. Last evaluated: 2026-04-01. Review status: criteria provided, single submitter. Criteria: CeGaT Center For Human Genetics Tuebingen Variant Classification Criteria Version 2. Collection method: clinical testing. Allele origin: germline. Affected: yes. Observed: 1 variant allele.
Comment: COL18A1: PM4, BS1

Labcorp Genetics (formerly Invitae), Labcorp
Classification: Likely benign. Last evaluated: 2026-01-26. Review status: criteria provided, single submitter. Criteria: Invitae Variant Classification Sherloc (09022015). Collection method: clinical testing. Allele origin: germline.

Blueprint Genetics
Classification: Likely benign. Last evaluated: 2024-11-19. Review status: criteria provided, single submitter. Criteria: ACMG Guidelines, 2015. Collection method: clinical testing. Allele origin: germline.

Women's Health and Genetics/Laboratory Corporation of America, LabCorp
Classification: Uncertain significance. Last evaluated: 2023-10-11. Review status: criteria provided, single submitter. Criteria: LabCorp Variant Classification Summary - May 2015. Collection method: clinical testing. Allele origin: germline.
Comment: Variant summary: COL18A1 c.2973_2981delCCCCCCAGG (p.Gly994_Pro996del) results in an in-frame deletion that is predicted to remove three amino acids from the encoded protein. The variant allele was found at a frequency of 0.0013 in 223312 control chromosomes. To our knowledge, no occurrence of c.2973_2981delCCCCCCAGG in individuals affected with Knobloch Syndrome 1 and no experimental evidence demonstrating its impact on protein function have been reported. Two submitters have cited clinical-significance assessments for this variant to ClinVar after 2014. One submitter classified the variant as likely benign, and one submitter classified the variant as uncertain significance. Based on the evidence outlined above, the variant was classified as uncertain significance.

Genomic Research Center, Shahid Beheshti University of Medical Sciences
Classification: Uncertain significance for Knobloch syndrome 1. Last evaluated: 2018-08-07. Review status: criteria provided, single submitter. Criteria: ACMG Guidelines, 2015. Collection method: clinical testing. Allele origin: inherited. Affected: no. Observed: 1 variant allele.

PreventionGenetics, part of Exact Sciences
Classification: Likely benign for COL18A1-related condition. Last evaluated: 2024-08-07. Review status: no assertion criteria provided. Collection method: clinical testing. Allele origin: germline. Not counted in ClinVar's aggregate classification.
Comment: This variant is classified as likely benign based on ACMG/AMP sequence variant interpretation guidelines (Richards et al. 2015 PMID: 25741868, with internal and published modifications).

NM_001379500.1(COL18A1):c.2964CCCCCCAGG[1] (p.985GPP[3])

Genes: SLC19A1 (solute carrier family 19 member 1; minus strand), COL18A1 (collagen type XVIII alpha 1 chain; plus strand). Cytogenetic location: 21q22.3.
Variant type: Microsatellite.
Coding change: c.2964CCCCCCAGG[1] on transcript NM_001379500.1 (MANE Select); one copy of the 9-base unit CCCCCCAGG starting at c.2964; the reference has two copies in a row; one copy, 9 bases deleted.
Protein change: p.985GPP[3].
Molecular consequence: inframe deletion.
Genome position (GRCh38, 1-based): chr21:45,505,238-45,505,246, CCCCCCAGG deleted; deleting any 9 consecutive bases within chr21:45,505,227-45,505,246 gives the same sequence; the position shown is the placement nearest the transcript's 3' end. VCF-style (leftmost placement, unchanged base first): chr21-45505226-CGGCCCCCCA-C. GRCh37 (hg19) VCF-style: chr21-46925140-CGGCCCCCCA-C.
Other names: c.2973_2981delCCCCCCAGG (NM_001379500.1); c.3495CCCCCCAGG[1], p.1162GPP[3] (NM_030582.4); c.4200CCCCCCAGG[1], p.1397GPP[3] (NM_130444.3); c.3502_3510del9 (NM_030582.3).
Identifiers: ClinVar variation 587462 (VCV000587462.18), dbSNP rs759403198, ClinGen allele CA10067577.